The following is an entry in ClinVar:

ClinVar aggregate classification (germline): Uncertain significance (1 of 4 stars; one submission).

Allele frequency attached by ClinVar (database versions not stated): TOPMed below 0.00001; gnomAD 0.00001.
gnomAD v4.1: 2 of 1,614,114 alleles (0.00012%); highest among the groups gnomAD compares: Non-Finnish European, 0.00017%; no homozygotes.

Submission:

Ambry Genetics
Classification: Uncertain significance. Last evaluated: 2022-04-23. Review status: criteria provided, single submitter. Criteria: Ambry Variant Classification Scheme 2023. Collection method: clinical testing. Allele origin: germline.
Comment: The p.R1129S variant (also known as c.3387A>T), located in coding exon 4 of the ALPK2 gene, results from an A to T substitution at nucleotide position 3387. The arginine at codon 1129 is replaced by serine, an amino acid with dissimilar properties. This amino acid position is conserved. In addition, this alteration is predicted to be tolerated by in silico analysis. Since supporting evidence is limited at this time, the clinical significance of this alteration remains unclear.

NM_052947.4(ALPK2):c.3387A>T (p.Arg1129Ser)

Gene: ALPK2 (alpha kinase 2; minus strand). Cytogenetic location: 18q21.31.
Variant type: single nucleotide variant.
Coding change: c.3387A>T on transcript NM_052947.4 (MANE Select); coding-DNA position 3387, A replaced by T.
Protein change: p.Arg1129Ser; replaces arginine 1129 with serine.
Molecular consequence: missense variant.
Genome position (GRCh38, 1-based): chr18:58,536,800, T>A on the plus strand (A>T on the coding strand, the complement: ALPK2 is on the minus strand). VCF-style: chr18-58536800-T-A. GRCh37 (hg19) VCF-style: chr18-56204032-T-A.
Other names: short protein forms R1129S.
Identifiers: ClinVar variation 1730859 (VCV001730859.2), dbSNP rs1199662067, ClinGen allele CA402568477.